The following is an entry in ClinVar:

ClinVar aggregate classification (germline): Uncertain significance. Review status: criteria provided, multiple submitters, no conflicts (2 of 4 stars). 2 submissions from 2 submitters: Uncertain significance (2). Last evaluated 2025-12-23.

Allele frequency attached by ClinVar (database versions not stated): gnomAD exomes 0.00001; ExAC 0.00003.
gnomAD v4.1: 18 of 1,614,166 alleles (0.0011%); highest among the groups gnomAD compares: Middle Eastern, 0.016%; no homozygotes.

Submissions (2):

Labcorp Genetics (formerly Invitae), Labcorp
Classification: Uncertain significance. Last evaluated: 2025-12-23. Review status: criteria provided, single submitter. Criteria: Invitae Variant Classification Sherloc (09022015). Collection method: clinical testing. Allele origin: germline.
Comment: This sequence change replaces arginine, which is basic and polar, with glutamine, which is neutral and polar, at codon 542 of the VPS33B protein (p.Arg542Gln). This variant is present in population databases (rs762834985, gnomAD 0.006%). This variant has not been reported in the literature in individuals affected with VPS33B-related conditions. ClinVar contains an entry for this variant (Variation ID: 2683330). Invitae Evidence Modeling of protein sequence and biophysical properties (such as structural, functional, and spatial information, amino acid conservation, physicochemical variation, residue mobility, and thermodynamic stability) indicates that this missense variant is not expected to disrupt VPS33B protein function with a negative predictive value of 80%. In summary, the available evidence is currently insufficient to determine the role of this variant in disease. Therefore, it has been classified as a Variant of Uncertain Significance.

Mayo Clinic Laboratories, Mayo Clinic
Classification: Uncertain significance. Last evaluated: 2022-07-05. Review status: criteria provided, single submitter. Criteria: ACMG Guidelines, 2015. Collection method: clinical testing. Allele origin: germline. Observed: 1 variant allele.

NM_018668.5(VPS33B):c.1625G>A (p.Arg542Gln)

Gene: VPS33B (VPS33B late endosome and lysosome associated; minus strand). Cytogenetic location: 15q26.1.
Variant type: single nucleotide variant.
Coding change: c.1625G>A on transcript NM_018668.5 (MANE Select); coding-DNA position 1625, G replaced by A.
Protein change: p.Arg542Gln; replaces arginine 542 with glutamine.
Molecular consequence: missense variant.
Genome position (GRCh38, 1-based): chr15:90,999,932, C>T on the plus strand (G>A on the coding strand, the complement: VPS33B is on the minus strand). VCF-style: chr15-90999932-C-T. GRCh37 (hg19) VCF-style: chr15-91543162-C-T.
Other names: p.Arg542Gln; c.1544G>A, p.Arg515Gln (NM_001289148.1); c.1352G>A, p.Arg451Gln (NM_001289149.1); short protein forms R451Q, R515Q, R542Q.
Identifiers: ClinVar variation 2683330 (VCV002683330.2), dbSNP rs762834985, ClinGen allele CA7744568.